The following is an entry in ClinVar:

ClinVar aggregate classification (germline): Uncertain significance (1 of 4 stars; one submission).

Submission:

Labcorp Genetics (formerly Invitae), Labcorp
Classification: Uncertain significance. Last evaluated: 2024-12-02. Review status: criteria provided, single submitter. Criteria: Invitae Variant Classification Sherloc (09022015). Collection method: clinical testing. Allele origin: germline.
Comment: This sequence change replaces glutamic acid, which is acidic and polar, with glutamine, which is neutral and polar, at codon 617 of the TRAF3IP1 protein (p.Glu617Gln). This variant is not present in population databases (gnomAD no frequency). This variant has not been reported in the literature in individuals affected with TRAF3IP1-related conditions. ClinVar contains an entry for this variant (Variation ID: 849792). Invitae Evidence Modeling of protein sequence and biophysical properties (such as structural, functional, and spatial information, amino acid conservation, physicochemical variation, residue mobility, and thermodynamic stability) indicates that this missense variant is expected to disrupt TRAF3IP1 protein function with a positive predictive value of 80%. In summary, the available evidence is currently insufficient to determine the role of this variant in disease. Therefore, it has been classified as a Variant of Uncertain Significance.

NM_015650.4(TRAF3IP1):c.1849G>C (p.Glu617Gln)

Gene: TRAF3IP1 (TRAF3 interacting protein 1; plus strand). Cytogenetic location: 2q37.3.
Variant type: single nucleotide variant.
Coding change: c.1849G>C on transcript NM_015650.4 (MANE Select); coding-DNA position 1849, G replaced by C.
Protein change: p.Glu617Gln; replaces glutamic acid 617 with glutamine.
Molecular consequence: missense variant.
Genome position (GRCh38, 1-based): chr2:238,397,618, G>C. VCF-style: chr2-238397618-G-C. GRCh37 (hg19) VCF-style: chr2-239306259-G-C.
Other names: c.1651G>C, p.Glu551Gln (NM_001139490.1); short protein forms E551Q, E617Q.
Identifiers: ClinVar variation 849792 (VCV000849792.9), dbSNP rs1701288242, ClinGen allele CA351246536.